The following is an entry in ClinVar:

NM_004260.4(RECQL4):c.475C>T (p.Pro159Ser)

Gene: RECQL4 (RecQ like helicase 4; minus strand). Cytogenetic location: 8q24.3.
Variant type: single nucleotide variant.
Coding change: c.475C>T on transcript NM_004260.4 (MANE Select); coding-DNA position 475, C replaced by T.
Protein change: p.Pro159Ser; replaces proline 159 with serine.
Molecular consequence: missense variant.
Genome position (GRCh38, 1-based): chr8:144,516,644, G>A on the plus strand (C>T on the coding strand, the complement: RECQL4 is on the minus strand). VCF-style: chr8-144516644-G-A. GRCh37 (hg19) VCF-style: chr8-145742028-G-A.
Other names: short protein forms P159S.
Identifiers: ClinVar variation 566413 (VCV000566413.12), dbSNP rs868299027, ClinGen allele CA187689898.

ClinVar aggregate classification (germline): Uncertain significance. Review status: criteria provided, multiple submitters, no conflicts (2 of 4 stars). 3 submissions from 3 submitters: Uncertain significance (3). Last evaluated 2025-04-03.

Conditions:
Baller-Gerold syndrome (BGS). Also called: CRANIOSYNOSTOSIS WITH RADIAL DEFECTS. Identifiers: Orphanet 1225, MedGen C0265308, MONDO:0009039, OMIM 218600.
Inborn genetic diseases. Identifiers: MedGen C0950123, MeSH D030342.

Allele frequency attached by ClinVar (database versions not stated): gnomAD 0.00001; gnomAD exomes 0.00001; TOPMed 0.00002.

Submissions (3):

Ambry Genetics
Classification: Uncertain significance for Inborn genetic diseases. Last evaluated: 2025-04-03. Review status: criteria provided, single submitter. Criteria: Ambry Variant Classification Scheme 2023. Collection method: clinical testing. Allele origin: germline.

Blueprint Genetics
Classification: Uncertain significance. Last evaluated: 2024-09-11. Review status: criteria provided, single submitter. Criteria: ACMG Guidelines, 2015. Collection method: clinical testing. Allele origin: germline.

Labcorp Genetics (formerly Invitae), Labcorp
Classification: Uncertain significance for Baller-Gerold syndrome. Last evaluated: 2024-04-05. Review status: criteria provided, single submitter. Criteria: Invitae Variant Classification Sherloc (09022015). Collection method: clinical testing. Allele origin: germline.
Comment: This sequence change replaces proline, which is neutral and non-polar, with serine, which is neutral and polar, at codon 159 of the RECQL4 protein (p.Pro159Ser). This variant is present in population databases (no rsID available, gnomAD 0.006%). This variant has not been reported in the literature in individuals affected with RECQL4-related conditions. ClinVar contains an entry for this variant (Variation ID: 566413). Advanced modeling of protein sequence and biophysical properties (such as structural, functional, and spatial information, amino acid conservation, physicochemical variation, residue mobility, and thermodynamic stability) performed at Invitae indicates that this missense variant is not expected to disrupt RECQL4 protein function with a negative predictive value of 80%. In summary, the available evidence is currently insufficient to determine the role of this variant in disease. Therefore, it has been classified as a Variant of Uncertain Significance.